The following is an entry in ClinVar:

NM_000551.4(VHL):c.559G>C (p.Asp187His)

Genes: VHL (von Hippel-Lindau tumor suppressor; plus strand), LOC107303340 (3p25 von Hippel-Lindau tumor suppressor, E3 ubiquitin protein ligase Alu-mediated recombination region; plus strand). Cytogenetic location: 3p25.3.
Variant type: single nucleotide variant.
Coding change: c.559G>C on transcript NM_000551.4 (MANE Select); coding-DNA position 559, G replaced by C.
Protein change: p.Asp187His; replaces aspartic acid 187 with histidine.
Molecular consequence: missense variant. On other transcripts: 3 prime UTR variant (1), non-coding transcript variant (1).
Genome position (GRCh38, 1-based): chr3:10,149,882, G>C. VCF-style: chr3-10149882-G-C. GRCh37 (hg19) VCF-style: chr3-10191566-G-C.
Other names: c.*113G>C (NM_001354723.2); c.436G>C, p.Asp146His (NM_198156.3); short protein forms D187H, D146H.
Identifiers: ClinVar variation 5031702 (VCV005031702.1).

ClinVar aggregate classification (germline): Uncertain significance (1 of 4 stars; one submission).

Conditions:
Hereditary cancer-predisposing syndrome. Also called: Neoplastic Syndromes, Hereditary; Tumor predisposition; Hereditary neoplastic syndrome; Hereditary Cancer Syndrome. Identifiers: Orphanet 140162, MedGen C0027672, MeSH D009386, MONDO:0015356.

Submission:

Ambry Genetics
Classification: Uncertain significance for Hereditary cancer-predisposing syndrome. Last evaluated: 2026-07-14. Review status: criteria provided, single submitter. Criteria: Ambry Variant Classification Scheme 2023. Collection method: clinical testing. Allele origin: germline.
Comment: The p.D187H variant (also known as c.559G>C), located in coding exon 3 of the VHL gene, results from a G to C substitution at nucleotide position 559. The aspartic acid at codon 187 is replaced by histidine, an amino acid with similar properties. This variant was determined to be functionally neutral in one saturation genome editing assay (Buckley M et al. Nat Genet, 2024 Jul;56:1446-1455). This amino acid position is highly conserved in available vertebrate species. In addition, this alteration is predicted to be deleterious by in silico analysis. Based on the available evidence, the clinical significance of this variant remains unclear.

Literature cited by the submitters: PubMed 38969834.